The following is an entry in ClinVar:

NM_001098.3(ACO2):c.161T>C (p.Ile54Thr)

Gene: ACO2 (aconitase 2; plus strand). Cytogenetic location: 22q13.2.
Variant type: single nucleotide variant.
Coding change: c.161T>C on transcript NM_001098.3 (MANE Select); coding-DNA position 161, T replaced by C.
Protein change: p.Ile54Thr; replaces isoleucine 54 with threonine.
Molecular consequence: missense variant.
Genome position (GRCh38, 1-based): chr22:41,499,850, T>C. VCF-style: chr22-41499850-T-C. GRCh37 (hg19) VCF-style: chr22-41895854-T-C.
Other names: c.161T>C (NM_001098.2); short protein forms I54T.
Identifiers: ClinVar variation 1389271 (VCV001389271.9), dbSNP rs369694543, ClinGen allele CA10257289.

ClinVar aggregate classification (germline): Uncertain significance. Review status: criteria provided, multiple submitters, no conflicts (2 of 4 stars). 3 submissions from 3 submitters: Uncertain significance (3). Last evaluated 2025-07-22.

Conditions:
Inborn genetic diseases. Identifiers: MedGen C0950123, MeSH D030342.

Allele frequency attached by ClinVar (database versions not stated): gnomAD 0.00001; TOPMed 0.00002; ExAC 0.00003; gnomAD exomes 0.00006 and 0.00008; ESP Exome Variant Server 0.00008.
gnomAD v4.1: 81 of 1,613,962 alleles (0.005%); highest among the groups gnomAD compares: South Asian, 0.043%; no homozygotes.

Submissions (3):

Labcorp Genetics (formerly Invitae), Labcorp
Classification: Uncertain significance. Last evaluated: 2025-07-22. Review status: criteria provided, single submitter. Criteria: Invitae Variant Classification Sherloc (09022015). Collection method: clinical testing. Allele origin: germline.
Comment: This sequence change replaces isoleucine, which is neutral and non-polar, with threonine, which is neutral and polar, at codon 54 of the ACO2 protein (p.Ile54Thr). This variant is present in population databases (rs369694543, gnomAD 0.05%). This variant has not been reported in the literature in individuals affected with ACO2-related conditions. ClinVar contains an entry for this variant (Variation ID: 1389271). Invitae Evidence Modeling of protein sequence and biophysical properties (such as structural, functional, and spatial information, amino acid conservation, physicochemical variation, residue mobility, and thermodynamic stability) indicates that this missense variant is expected to disrupt ACO2 protein function with a positive predictive value of 95%. In summary, the available evidence is currently insufficient to determine the role of this variant in disease. Therefore, it has been classified as a Variant of Uncertain Significance.

Ambry Genetics
Classification: Uncertain significance for Inborn genetic diseases. Last evaluated: 2025-05-23. Review status: criteria provided, single submitter. Criteria: Ambry Variant Classification Scheme 2023. Collection method: clinical testing. Allele origin: germline.

GeneDx
Classification: Uncertain significance. Last evaluated: 2024-08-07. Review status: criteria provided, single submitter. Criteria: GeneDx Variant Classification Process June 2021. Collection method: clinical testing. Allele origin: germline. Affected: yes.
Comment: Has not been previously published as pathogenic or benign to our knowledge; In silico analysis supports that this missense variant has a deleterious effect on protein structure/function